The following is an entry in ClinVar:

NM_001042492.3(NF1):c.5137G>C (p.Gly1713Arg)

Gene: NF1 (neurofibromin 1; plus strand). Cytogenetic location: 17q11.2.
Variant type: single nucleotide variant.
Coding change: c.5137G>C on transcript NM_001042492.3 (MANE Select); coding-DNA position 5137, G replaced by C.
Protein change: p.Gly1713Arg; replaces glycine 1713 with arginine.
Molecular consequence: missense variant.
Genome position (GRCh38, 1-based): chr17:31,326,121, G>C. VCF-style: chr17-31326121-G-C. GRCh37 (hg19) VCF-style: chr17-29653139-G-C.
Other names: c.5074G>C, p.Gly1692Arg (NM_000267.4); short protein forms G1713R, G1692R.
Identifiers: ClinVar variation 1460725 (VCV001460725.8), dbSNP rs2151538644, ClinGen allele CA399007779.

ClinVar aggregate classification (germline): Uncertain significance (1 of 4 stars; one submission).

Conditions:
Neurofibromatosis, type 1 (NF1). Also called: NEUROFIBROMATOSIS, TYPE I, SOMATIC; VON RECKLINGHAUSEN DISEASE; Peripheral type neurofibromatosis; Neurofibromatosis, type I. Identifiers: Orphanet 636, MedGen C0027831, MONDO:0018975, OMIM 162200. Disease mechanism: loss of function.

Submission:

Labcorp Genetics (formerly Invitae), Labcorp
Classification: Uncertain significance for Neurofibromatosis, type 1. Last evaluated: 2020-12-11. Review status: criteria provided, single submitter. Criteria: Invitae Variant Classification Sherloc (09022015). Collection method: clinical testing. Allele origin: germline.
Comment: In summary, the available evidence is currently insufficient to determine the role of this variant in disease. Therefore, it has been classified as a Variant of Uncertain Significance. Advanced modeling of protein sequence and biophysical properties (such as structural, functional, and spatial information, amino acid conservation, physicochemical variation, residue mobility, and thermodynamic stability) performed at Invitae indicates that this missense variant is not expected to disrupt NF1 protein function. This variant has not been reported in the literature in individuals with NF1-related conditions. This variant is not present in population databases (ExAC no frequency). This sequence change replaces glycine with arginine at codon 1692 of the NF1 protein (p.Gly1692Arg). The glycine residue is moderately conserved and there is a moderate physicochemical difference between glycine and arginine.